The following is an entry in ClinVar:

NM_001854.4(COL11A1):c.2862+200G>C

Gene: COL11A1 (collagen type XI alpha 1 chain; minus strand). Cytogenetic location: 1p21.1.
Variant type: single nucleotide variant.
Coding change: c.2862+200G>C on transcript NM_001854.4 (MANE Select); 200 bases into the intron after coding-DNA position 2862, G replaced by C.
Molecular consequence: intron variant.
Genome position (GRCh38, 1-based): chr1:102,970,019, C>G on the plus strand (G>C on the coding strand, the complement: COL11A1 is on the minus strand). VCF-style: chr1-102970019-C-G. GRCh37 (hg19) VCF-style: chr1-103435575-C-G.
Other names: c.2745+200G>C (NM_001190709.2); c.2898+200G>C (NM_080629.3); c.2514+200G>C (NM_080630.4).
Identifiers: ClinVar variation 669416 (VCV000669416.1), dbSNP rs111771790, ClinGen allele CA27699667.
Genomic context (GRCh38, chr1:102,970,019, plus strand): 5'-CATCAGCTCATCCTTAAAATGCTGCTATTGACAATAAAAACAATCATATCAACTAACATC[C>G]TATTTCCTGAAGTATATTTCTTGTATCTATTTTTGTATTTATATATATATGTATATTTCA-3'

ClinVar aggregate classification (germline): Likely benign (1 of 4 stars; one submission).

Allele frequency attached by ClinVar (database versions not stated): gnomAD 0.00378 and 0.00400; TOPMed 0.00439; 1000 Genomes Project 30x 0.00515; 1000 Genomes Project 0.00559.
gnomAD v4.1: 568 of 151,852 alleles (0.37%); highest among the groups gnomAD compares: African/African-American, 1.3%; 5 homozygotes.

Submission:

GeneDx
Classification: Likely benign. Last evaluated: 2018-06-14. Review status: criteria provided, single submitter. Criteria: GeneDx Variant Classification (06012015). Collection method: clinical testing. Allele origin: germline. Affected: yes.
Comment: This variant is considered likely benign or benign based on one or more of the following criteria: it is a conservative change, it occurs at a poorly conserved position in the protein, it is predicted to be benign by multiple in silico algorithms, and/or has population frequency not consistent with disease.